The following is an entry in ClinVar:

ClinVar aggregate classification (germline): Uncertain significance (1 of 4 stars; one submission).

gnomAD v4.1: 7 of 1,613,266 alleles (0.00043%); highest among the groups gnomAD compares: African/African-American, 0.0027%; no homozygotes.

Submission:

Labcorp Genetics (formerly Invitae), Labcorp
Classification: Uncertain significance. Last evaluated: 2026-01-03. Review status: criteria provided, single submitter. Criteria: Invitae Variant Classification Sherloc (09022015). Collection method: clinical testing. Allele origin: germline.
Comment: This sequence change replaces asparagine, which is neutral and polar, with serine, which is neutral and polar, at codon 687 of the IL6ST protein (p.Asn687Ser). This variant is present in population databases (rs755978150, gnomAD 0.007%). This variant has not been reported in the literature in individuals affected with IL6ST-related conditions. ClinVar contains an entry for this variant (Variation ID: 3680971). An algorithm developed to predict the effect of missense changes on protein structure and function (PolyPhen-2) suggests that this variant is likely to be tolerated. In summary, the available evidence is currently insufficient to determine the role of this variant in disease. Therefore, it has been classified as a Variant of Uncertain Significance.

NM_002184.4(IL6ST):c.2060A>G (p.Asn687Ser)

Gene: IL6ST (interleukin 6 cytokine family signal transducer; minus strand). Cytogenetic location: 5q11.2.
Variant type: single nucleotide variant.
Coding change: c.2060A>G on transcript NM_002184.4 (MANE Select); coding-DNA position 2060, A replaced by G.
Protein change: p.Asn687Ser; replaces asparagine 687 with serine.
Molecular consequence: missense variant. On other transcripts: 3 prime UTR variant (1), non-coding transcript variant (2).
Genome position (GRCh38, 1-based): chr5:55,941,779, T>C on the plus strand (A>G on the coding strand, the complement: IL6ST is on the minus strand). VCF-style: chr5-55941779-T-C. GRCh37 (hg19) VCF-style: chr5-55237607-T-C.
Other names: c.1877A>G, p.Asn626Ser (NM_001190981.2); c.1958A>G, p.Asn653Ser (NM_001364275.2); c.1850A>G, p.Asn617Ser (NM_001364276.2); c.1193A>G, p.Asn398Ser (NM_001364277.2); c.1157A>G, p.Asn386Ser (NM_001364278.2); c.1064A>G, p.Asn355Ser (NM_001364279.2); c.*987A>G (NM_175767.3); short protein forms N355S, N398S, N653S, N687S, N386S, N617S, N626S.
Identifiers: ClinVar variation 3680971 (VCV003680971.2).